The following is an entry in ClinVar:

ClinVar aggregate classification (germline): Uncertain significance. Review status: criteria provided, multiple submitters, no conflicts (2 of 4 stars). 3 submissions from 3 submitters: Uncertain significance (2). 1 of the submissions does not count toward it. Last evaluated 2026-01-27.

Conditions:
LTBP3-related disorder. Also called: LTBP3-related condition.
Brachyolmia-amelogenesis imperfecta syndrome. Also called: Tooth agenesis, selective, 6; Dental anomalies and short stature; PLATYSPONDYLY WITH AMELOGENESIS IMPERFECTA. Identifiers: Orphanet 2899, MedGen C1832594, MONDO:0011018, OMIM 601216. Disease mechanism: loss of function.
Inborn genetic diseases. Identifiers: MedGen C0950123, MeSH D030342.

Allele frequency attached by ClinVar (database versions not stated): ExAC 0.00003; gnomAD 0.00004 and 0.00005; ESP Exome Variant Server 0.00008; TOPMed 0.00009; 1000 Genomes Project 0.00020; 1000 Genomes Project 30x 0.00031.
gnomAD v4.1: 63 of 1,614,060 alleles (0.0039%); highest among the groups gnomAD compares: Admixed American, 0.012%; no homozygotes.

Submissions (3):

Labcorp Genetics (formerly Invitae), Labcorp
Classification: Uncertain significance for Brachyolmia-amelogenesis imperfecta syndrome. Last evaluated: 2026-01-27. Review status: criteria provided, single submitter. Criteria: Invitae Variant Classification Sherloc (09022015). Collection method: clinical testing. Allele origin: germline.
Comment: This sequence change replaces arginine, which is basic and polar, with histidine, which is basic and polar, at codon 422 of the LTBP3 protein (p.Arg422His). The frequency data for this variant in the population databases is considered unreliable, as metrics indicate poor data quality at this position in the gnomAD database. This variant has not been reported in the literature in individuals affected with LTBP3-related conditions. ClinVar contains an entry for this variant (Variation ID: 1406583). An algorithm developed to predict the effect of missense changes on protein structure and function outputs the following: PolyPhen-2: "Benign". The histidine amino acid residue is found in multiple mammalian species, which suggests that this missense change does not adversely affect protein function. In summary, the available evidence is currently insufficient to determine the role of this variant in disease. Therefore, it has been classified as a Variant of Uncertain Significance.

Ambry Genetics
Classification: Uncertain significance for Inborn genetic diseases. Last evaluated: 2021-07-14. Review status: criteria provided, single submitter. Criteria: Ambry Variant Classification Scheme 2023. Collection method: clinical testing. Allele origin: germline.

PreventionGenetics, part of Exact Sciences
Classification: Uncertain significance for LTBP3-related condition. Last evaluated: 2024-09-05. Review status: no assertion criteria provided. Collection method: clinical testing. Allele origin: germline. Not counted in ClinVar's aggregate classification.
Comment: The LTBP3 c.1265G>A variant is predicted to result in the amino acid substitution p.Arg422His. To our knowledge, this variant has not been reported in the literature. This variant is reported in 0.0085% of alleles in individuals of Latino descent in gnomAD. At this time, the clinical significance of this variant is uncertain due to the absence of conclusive functional and genetic evidence.

NM_001130144.3(LTBP3):c.1265G>A (p.Arg422His)

Gene: LTBP3 (latent transforming growth factor beta binding protein 3; minus strand). Cytogenetic location: 11q13.1.
Variant type: single nucleotide variant.
Coding change: c.1265G>A on transcript NM_001130144.3 (MANE Select); coding-DNA position 1265, G replaced by A.
Protein change: p.Arg422His; replaces arginine 422 with histidine.
Molecular consequence: missense variant.
Genome position (GRCh38, 1-based): chr11:65,552,328, C>T on the plus strand (G>A on the coding strand, the complement: LTBP3 is on the minus strand). VCF-style: chr11-65552328-C-T. GRCh37 (hg19) VCF-style: chr11-65319799-C-T.
Other names: c.1265G>A (NM_001130144.2); c.914G>A, p.Arg305His (NM_001164266.1); c.1265G>A, p.Arg422His (NM_021070.4); short protein forms R305H, R422H.
Identifiers: ClinVar variation 1406583 (VCV001406583.8), dbSNP rs143751614, ClinGen allele CA6101017.